The following is an entry in ClinVar:

NM_001845.6(COL4A1):c.4469C>T (p.Ala1490Val)

Gene: COL4A1 (collagen type IV alpha 1 chain; minus strand). Cytogenetic location: 13q34.
Variant type: single nucleotide variant.
Coding change: c.4469C>T on transcript NM_001845.6 (MANE Select); coding-DNA position 4469, C replaced by T.
Protein change: p.Ala1490Val; replaces alanine 1490 with valine.
Molecular consequence: missense variant.
Genome position (GRCh38, 1-based): chr13:110,161,363, G>A on the plus strand (C>T on the coding strand, the complement: COL4A1 is on the minus strand). VCF-style: chr13-110161363-G-A. GRCh37 (hg19) VCF-style: chr13-110813710-G-A.
Other names: short protein forms A1490V.
Identifiers: ClinVar variation 2756984 (VCV002756984.3), dbSNP rs2501735297, ClinGen allele CA388657664.
Genomic context (GRCh38, chr13:110,161,363, plus strand): 5'-ACGTTGTTAATATTGCAGAACAGGAAGGGCATTGTGCTGAACTTGCGCAGGCAGCTGCCG[G>A]CCGTGCCTAGACAAGGAAGAAGACAATGTGAGATGTTTCCTTTATAATTCACAATCTATC-3'
Protein context (NP_001836.3, residues 1480-1500): ERAHGQDLGT[Ala1490Val]GSCLRKFSTM

ClinVar aggregate classification (germline): Uncertain significance (1 of 4 stars; one submission).

Submission:

Labcorp Genetics (formerly Invitae), Labcorp
Classification: Uncertain significance. Last evaluated: 2023-08-31. Review status: criteria provided, single submitter. Criteria: Invitae Variant Classification Sherloc (09022015). Collection method: clinical testing. Allele origin: germline.
Comment: This sequence change replaces alanine, which is neutral and non-polar, with valine, which is neutral and non-polar, at codon 1490 of the COL4A1 protein (p.Ala1490Val). This variant is not present in population databases (gnomAD no frequency). This variant has not been reported in the literature in individuals affected with COL4A1-related conditions. Experimental studies and prediction algorithms are not available or were not evaluated, and the functional significance of this variant is currently unknown. In summary, the available evidence is currently insufficient to determine the role of this variant in disease. Therefore, it has been classified as a Variant of Uncertain Significance.